The following is an entry in ClinVar:

ClinVar aggregate classification (germline): Conflicting classifications of pathogenicity. Review status: criteria provided, conflicting classifications (1 of 4 stars). 2 submissions from 2 submitters: Uncertain significance (1); Likely benign (1). Last evaluated 2025-04-28.

Allele frequency attached by ClinVar (database versions not stated): ExAC 0.00001.
gnomAD v4.1: 7 of 1,614,214 alleles (0.00043%); highest among the groups gnomAD compares: Middle Eastern, 0.016%; no homozygotes.

Submissions (2):

Labcorp Genetics (formerly Invitae), Labcorp
Classification: Uncertain significance. Last evaluated: 2025-04-28. Review status: criteria provided, single submitter. Criteria: Invitae Variant Classification Sherloc (09022015). Collection method: clinical testing. Allele origin: germline.
Comment: This sequence change replaces isoleucine, which is neutral and non-polar, with phenylalanine, which is neutral and non-polar, at codon 481 of the MCPH1 protein (p.Ile481Phe). This variant is present in population databases (rs768776312, gnomAD 0.0009%). This variant has not been reported in the literature in individuals affected with MCPH1-related conditions. ClinVar contains an entry for this variant (Variation ID: 493466). Invitae Evidence Modeling of protein sequence and biophysical properties (such as structural, functional, and spatial information, amino acid conservation, physicochemical variation, residue mobility, and thermodynamic stability) indicates that this missense variant is not expected to disrupt MCPH1 protein function with a negative predictive value of 80%. In summary, the available evidence is currently insufficient to determine the role of this variant in disease. Therefore, it has been classified as a Variant of Uncertain Significance.

CeGaT Center for Human Genetics Tuebingen
Classification: Likely benign. Last evaluated: 2017-09-01. Review status: criteria provided, single submitter. Criteria: CeGaT Center For Human Genetics Tuebingen Variant Classification Criteria Version 2. Collection method: clinical testing. Allele origin: germline. Affected: yes. Observed: 1 variant allele.

NM_024596.5(MCPH1):c.1441A>T (p.Ile481Phe)

Gene: MCPH1 (microcephalin 1; plus strand). Cytogenetic location: 8p23.1.
Variant type: single nucleotide variant.
Coding change: c.1441A>T on transcript NM_024596.5 (MANE Select); coding-DNA position 1441, A replaced by T.
Protein change: p.Ile481Phe; replaces isoleucine 481 with phenylalanine.
Molecular consequence: missense variant. On other transcripts: non-coding transcript variant (1).
Genome position (GRCh38, 1-based): chr8:6,445,163, A>T. VCF-style: chr8-6445163-A-T. GRCh37 (hg19) VCF-style: chr8-6302684-A-T.
Other names: c.1441A>T, p.Ile481Phe (NM_001172574.2, NM_001322042.2, NM_001363979.1 and 1 more transcripts); c.1297A>T, p.Ile433Phe (NM_001172575.2); c.1435A>T, p.Ile479Phe (NM_001322043.2); c.1339A>T, p.Ile447Phe (NM_001322045.2); short protein forms I481F, I433F, I447F, I479F.
Identifiers: ClinVar variation 493466 (VCV000493466.47), dbSNP rs768776312, ClinGen allele CA4610557.